The following is an entry in ClinVar:

NM_175875.5(SIX5):c.1267G>C (p.Gly423Arg)

Gene: SIX5 (SIX homeobox 5; minus strand). Cytogenetic location: 19q13.32.
Variant type: single nucleotide variant.
Coding change: c.1267G>C on transcript NM_175875.5 (MANE Select); coding-DNA position 1267, G replaced by C.
Protein change: p.Gly423Arg; replaces glycine 423 with arginine.
Molecular consequence: missense variant.
Genome position (GRCh38, 1-based): chr19:45,766,692, C>G on the plus strand (G>C on the coding strand, the complement: SIX5 is on the minus strand). VCF-style: chr19-45766692-C-G. GRCh37 (hg19) VCF-style: chr19-46269950-C-G.
Other names: c.1267G>C (NM_175875.4); short protein forms G423R.
Identifiers: ClinVar variation 1467443 (VCV001467443.10), dbSNP rs1298995328, ClinGen allele CA406418745.
Genomic context (GRCh38, chr19:45,766,692, plus strand): 5'-CCGGGGGCAGAGGAAAGGTGGCAGCCGTCGGGGGGCCAGGCACCACTTGGGCCAGGGGCC[C>G]CAGGACCTCCTCTCCAAGGGCTGGTCCCGGAGCAGCCACCTGGGCCCCTTTGGTCTCAGG-3'
Protein context (NP_787071.3, residues 413-433): PGPALGEEVL[Gly423Arg]PLAQVVPGPP

ClinVar aggregate classification (germline): Uncertain significance. Review status: criteria provided, multiple submitters, no conflicts (2 of 4 stars). 3 submissions from 3 submitters: Uncertain significance (3). Last evaluated 2025-10-21.

Conditions:
Branchiootorenal syndrome 2 (BOR2). Identifiers: Orphanet 107, MedGen C1970479, MONDO:0012575, OMIM 610896.

Allele frequency attached by ClinVar (database versions not stated): gnomAD 0.00001; gnomAD exomes 0.00001 and 0.00002; TOPMed 0.00001.

Submissions (3):

Ambry Genetics
Classification: Uncertain significance. Last evaluated: 2025-10-21. Review status: criteria provided, single submitter. Criteria: Ambry Variant Classification Scheme 2023. Collection method: clinical testing. Allele origin: germline.

Fulgent Genetics
Classification: Uncertain significance for Branchiootorenal syndrome 2. Last evaluated: 2024-06-10. Review status: criteria provided, single submitter. Criteria: ACMG Guidelines, 2015. Collection method: clinical testing. Allele origin: germline.

Labcorp Genetics (formerly Invitae), Labcorp
Classification: Uncertain significance. Last evaluated: 2022-06-14. Review status: criteria provided, single submitter. Criteria: Invitae Variant Classification Sherloc (09022015). Collection method: clinical testing. Allele origin: germline.
Comment: This sequence change replaces glycine, which is neutral and non-polar, with arginine, which is basic and polar, at codon 423 of the SIX5 protein (p.Gly423Arg). This variant is present in population databases (no rsID available, gnomAD 0.02%). This variant has not been reported in the literature in individuals affected with SIX5-related conditions. Algorithms developed to predict the effect of missense changes on protein structure and function are either unavailable or do not agree on the potential impact of this missense change (SIFT: "Deleterious"; PolyPhen-2: "Possibly Damaging"; Align-GVGD: "Class C0"). In summary, the available evidence is currently insufficient to determine the role of this variant in disease. Therefore, it has been classified as a Variant of Uncertain Significance.